The following is an entry in ClinVar:

NM_000051.4(ATM):c.5013T>G (p.Val1671=)

Gene: ATM (ATM serine/threonine kinase; plus strand). Cytogenetic location: 11q22.3.
Variant type: single nucleotide variant.
Coding change: c.5013T>G on transcript NM_000051.4 (MANE Select); coding-DNA position 5013, T replaced by G.
Protein change: p.Val1671=; no amino-acid change (valine 1671 retained).
Molecular consequence: synonymous variant.
Genome position (GRCh38, 1-based): chr11:108,299,721, T>G. VCF-style: chr11-108299721-T-G. GRCh37 (hg19) VCF-style: chr11-108170448-T-G.
Other names: c.5013T>G, p.Val1671= (NM_001351834.2).
Identifiers: ClinVar variation 1744776 (VCV001744776.3), dbSNP rs2135888025, ClinGen allele CA476674650.

ClinVar aggregate classification (germline): Benign/Likely benign. Review status: criteria provided, multiple submitters, no conflicts (2 of 4 stars). 2 submissions from 2 submitters: Benign (1); Likely benign (1). Last evaluated 2024-05-22.

Conditions:
Hereditary cancer-predisposing syndrome. Also called: Hereditary Cancer Syndrome; Neoplastic Syndromes, Hereditary; Tumor predisposition; Hereditary neoplastic syndrome. Identifiers: Orphanet 140162, MedGen C0027672, MeSH D009386, MONDO:0015356.
Familial cancer of breast. Also called: BREAST CANCER, FAMILIAL; Hereditary breast cancer; hereditary breast carcinoma. Identifiers: Orphanet 227535, MedGen C0346153, MONDO:0016419, OMIM 114480. Disease mechanism: loss of function.

Submissions (2):

Myriad Genetics, Inc.
Classification: Benign for Familial cancer of breast. Last evaluated: 2024-05-22. Review status: criteria provided, single submitter. Criteria: Myriad Autosomal Dominant, Autosomal Recessive and X-Linked Classification Criteria (2023). Collection method: clinical testing. Allele origin: unknown.
Comment: This variant is considered benign. This variant is a silent/synonymous amino acid change and it is not expected to impact splicing.

Ambry Genetics
Classification: Likely benign for Hereditary cancer-predisposing syndrome. Last evaluated: 2021-10-12. Review status: criteria provided, single submitter. Criteria: Ambry Variant Classification Scheme 2023. Collection method: clinical testing. Allele origin: germline.